The following is an entry in ClinVar:

NM_000051.4(ATM):c.2186A>C (p.Tyr729Ser)

Gene: ATM (ATM serine/threonine kinase; plus strand). Cytogenetic location: 11q22.3.
Variant type: single nucleotide variant.
Coding change: c.2186A>C on transcript NM_000051.4 (MANE Select); coding-DNA position 2186, A replaced by C.
Protein change: p.Tyr729Ser; replaces tyrosine 729 with serine.
Molecular consequence: missense variant.
Genome position (GRCh38, 1-based): chr11:108,256,276, A>C. VCF-style: chr11-108256276-A-C. GRCh37 (hg19) VCF-style: chr11-108127003-A-C.
Other names: c.2186A>C, p.Tyr729Ser (NM_001351834.2); short protein forms Y729S.
Identifiers: ClinVar variation 3362246 (VCV003362246.2).

ClinVar aggregate classification (germline): Uncertain significance (1 of 4 stars; one submission).

Conditions:
Familial cancer of breast. Also called: BREAST CANCER, FAMILIAL; hereditary breast carcinoma; Hereditary breast cancer. Identifiers: Orphanet 227535, MedGen C0346153, MONDO:0016419, OMIM 114480. Disease mechanism: loss of function.

gnomAD v4.1: 1 of 1,611,208 alleles (0.000062%); highest among the groups gnomAD compares: Non-Finnish European, 0.000085%; no homozygotes.

Submission:

KCCC/NGS Laboratory, Kuwait Cancer Control Center
Classification: Uncertain significance for Familial cancer of breast. Last evaluated: 2024-10-09. Review status: criteria provided, single submitter. Criteria: ACMG Guidelines, 2015. Collection method: clinical testing. Allele origin: germline. Inheritance: Autosomal dominant inheritance. Affected: yes. Observed: 1 heterozygote.
Comment: a novel variant of uncertain significance was detected in the ATM gene (c.2186A>C). This sequence change replaces tyrosine with serine at codon 729 of the ATM protein (p.Tyr729Ser). The tyrosine residue is moderately conserved. This variant is not present in population databases (gnomAD). This variant has not been reported in the literature in individuals affected with ATM-related conditions. This variant not reported in ClinVar , However (p.Tyr729Cys) reported as variant of uncertain significance . In addition, this alteration is predicted to be deleterious by in silico analysis. In summary, the available evidence is currently insufficient to determine the role of this variant in disease. Therefore, it has been classified as a Variant of Uncertain Significance. Pathogenic/likely pathogenic mutations in the ATM gene cause susceptibility to breast cancer (OMIM 114480).